The following is an entry in ClinVar:

NM_015559.3(SETBP1):c.1688C>G (p.Pro563Arg)

Gene: SETBP1 (SET binding protein 1; plus strand). Cytogenetic location: 18q12.3.
Variant type: single nucleotide variant.
Coding change: c.1688C>G on transcript NM_015559.3 (MANE Select); coding-DNA position 1688, C replaced by G.
Protein change: p.Pro563Arg; replaces proline 563 with arginine.
Molecular consequence: missense variant.
Genome position (GRCh38, 1-based): chr18:44,951,028, C>G. VCF-style: chr18-44951028-C-G. GRCh37 (hg19) VCF-style: chr18-42530993-C-G.
Other names: c.1688C>G, p.Pro563Arg (NM_001379141.1, NM_001379142.1, NM_001410862.1); short protein forms P563R.
Identifiers: ClinVar variation 2662159 (VCV002662159.1), dbSNP rs2511468810, ClinGen allele CA402319126.

ClinVar aggregate classification (germline): Uncertain significance (1 of 4 stars; one submission).

Submission:

GeneDx
Classification: Uncertain significance. Last evaluated: 2023-04-16. Review status: criteria provided, single submitter. Criteria: GeneDx Variant Classification Process June 2021. Collection method: clinical testing. Allele origin: germline. Affected: yes.
Comment: Not observed at significant frequency in large population cohorts (gnomAD); In silico analysis supports that this missense variant has a deleterious effect on protein structure/function; Has not been previously published as pathogenic or benign to our knowledge